The following is an entry in ClinVar:

ClinVar aggregate classification (germline): Benign/Likely benign. Review status: criteria provided, multiple submitters, no conflicts (2 of 4 stars). 12 submissions from 11 submitters: Benign (10); Likely benign (1). 1 of the submissions does not count toward it. Last evaluated 2026-09-01.

Conditions:
Rothmund-Thomson syndrome type 2 (RTS2). Identifiers: Orphanet 221016, MedGen C5203410, MONDO:0016369, OMIM 268400.
Hereditary cancer-predisposing syndrome. Also called: Neoplastic Syndromes, Hereditary; Tumor predisposition; Hereditary neoplastic syndrome; Hereditary Cancer Syndrome. Identifiers: Orphanet 140162, MedGen C0027672, MeSH D009386, MONDO:0015356.
Rapadilino syndrome. Identifiers: Orphanet 3021, MedGen C1849453, MONDO:0009955, OMIM 266280.
Baller-Gerold syndrome (BGS). Also called: CRANIOSYNOSTOSIS WITH RADIAL DEFECTS. Identifiers: Orphanet 1225, MedGen C0265308, MONDO:0009039, OMIM 218600.

Allele frequency attached by ClinVar (database versions not stated): 1000 Genomes Project 0.00579; 1000 Genomes Project 30x 0.00593; TOPMed 0.01617; gnomAD 0.01793 and 0.01731; ExAC 0.01804; ESP Exome Variant Server 0.01707.

Submissions (12):

CeGaT Center for Human Genetics Tuebingen
Classification: Benign. Last evaluated: 2026-09-01. Review status: criteria provided, single submitter. Criteria: CeGaT Center For Human Genetics Tuebingen Variant Classification Criteria Version 2. Collection method: clinical testing. Allele origin: germline. Affected: yes. Observed: 249 variant alleles.
Comment: RECQL4: BS1, BS2

Labcorp Genetics (formerly Invitae), Labcorp
Classification: Benign for Baller-Gerold syndrome. Last evaluated: 2026-02-03. Review status: criteria provided, single submitter. Criteria: Invitae Variant Classification Sherloc (09022015). Collection method: clinical testing. Allele origin: germline.

KCCC/NGS Laboratory, Kuwait Cancer Control Center
Classification: Benign for Rapadilino syndrome. Last evaluated: 2025-02-01. Review status: criteria provided, single submitter. Criteria: ACMG Guidelines, 2015. Collection method: clinical testing. Allele origin: germline. Affected: no.

Blueprint Genetics
Classification: Likely benign. Last evaluated: 2024-11-27. Review status: criteria provided, single submitter. Criteria: ACMG Guidelines, 2015. Collection method: clinical testing. Allele origin: germline.

Mayo Clinic Laboratories, Mayo Clinic
Classification: Benign. Last evaluated: 2023-09-05. Review status: criteria provided, single submitter. Criteria: ACMG Guidelines, 2015. Collection method: clinical testing. Allele origin: germline. Observed: 21 variant alleles.
Comment: BS1, BS2, BP6

KCCC/NGS Laboratory, Kuwait Cancer Control Center
Classification: Benign for Rothmund-Thomson syndrome type 2. Last evaluated: 2023-07-07. Review status: criteria provided, single submitter. Criteria: ACMG Guidelines, 2015. Collection method: clinical testing. Allele origin: germline. Affected: yes.

Sema4
Classification: Benign for Hereditary cancer-predisposing syndrome. Last evaluated: 2020-02-24. Review status: criteria provided, single submitter. Criteria: Sema4 Curation Guidelines. Collection method: curation. Allele origin: germline.

GeneDx
Classification: Benign. Last evaluated: 2020-02-05. Review status: criteria provided, single submitter. Criteria: GeneDx Variant Classification Process June 2021. Collection method: clinical testing. Allele origin: germline. Affected: yes.
Comment: Published in association with Rothmund-Thomson syndrome (Wang et al., 2003; Suter et al., 2016). Wang et al. reported that the V799M variant was observed in cis with the P1170L variant in their patient, making V799M's contribution to disease uncertain. Limited information on the patient was available from Suter et al. publication.; In silico analysis, which includes protein predictors and evolutionary conservation, supports a deleterious effect; This variant is associated with the following publications: (PMID: 27247962, 12734318)

Eurofins Ntd Llc (ga)
Classification: Benign. Last evaluated: 2015-05-19. Review status: criteria provided, single submitter. Criteria: EGL Classification Definitions 2015. Collection method: clinical testing. Allele origin: germline. Observed: 7 variant alleles, 7 heterozygotes.

Breakthrough Genomics
Classification: Benign. Review status: criteria provided, single submitter. Criteria: ACMG Guidelines, 2015. Collection method: not provided. Allele origin: germline. Inheritance: Autosomal recessive inheritance. Affected: yes.

PreventionGenetics, part of Exact Sciences
Classification: Benign. Review status: criteria provided, single submitter. Criteria: ACMG Guidelines, 2015. Collection method: clinical testing. Allele origin: germline.

ITMI
No classification provided. Condition: AllHighlyPenetrant. Last evaluated: 2013-09-19. Review status: no classification provided. Collection method: reference population. Allele origin: germline. Not counted in ClinVar's aggregate classification.
Comment: Please see associated publication for description of ethnicities

Literature cited by the submitters: PubMed 24728327 (cited by ITMI).

NM_004260.4(RECQL4):c.2395G>A (p.Val799Met)

Gene: RECQL4 (RecQ like helicase 4; minus strand). Cytogenetic location: 8q24.3.
Variant type: single nucleotide variant.
Coding change: c.2395G>A on transcript NM_004260.4 (MANE Select); coding-DNA position 2395, G replaced by A.
Protein change: p.Val799Met; replaces valine 799 with methionine.
Molecular consequence: missense variant.
Genome position (GRCh38, 1-based): chr8:144,513,286, C>T on the plus strand (G>A on the coding strand, the complement: RECQL4 is on the minus strand). VCF-style: chr8-144513286-C-T. GRCh37 (hg19) VCF-style: chr8-145738669-C-T.
Other names: p.Val799Met; short protein forms V799M.
Identifiers: ClinVar variation 135138 (VCV000135138.52), dbSNP rs34293591, ClinGen allele CA161833.